The following is an entry in ClinVar:

ClinVar aggregate classification (germline): Uncertain significance. Review status: criteria provided, multiple submitters, no conflicts (2 of 4 stars). 2 submissions from 2 submitters: Uncertain significance (2). Last evaluated 2025-07-16.

Conditions:
Cardiovascular phenotype. Identifiers: MedGen CN230736.

gnomAD v4.1: 48 of 1,613,418 alleles (0.003%); highest among the groups gnomAD compares: South Asian, 0.048%; 1 homozygote.

Submissions (2):

Ambry Genetics
Classification: Uncertain significance for Cardiovascular phenotype. Last evaluated: 2025-07-16. Review status: criteria provided, single submitter. Criteria: Ambry Variant Classification Scheme 2023. Collection method: clinical testing. Allele origin: germline.

Mayo Clinic Laboratories, Mayo Clinic
Classification: Uncertain significance. Last evaluated: 2025-04-16. Review status: criteria provided, single submitter. Criteria: ACMG Guidelines, 2015. Collection method: clinical testing. Allele origin: germline. Observed: 1 variant allele.
Comment: BP4_moderate

NM_001365276.2(TNXB):c.8699C>T (p.Ser2900Leu)

Gene: TNXB (tenascin XB; minus strand). Cytogenetic location: 6p21.33.
Variant type: single nucleotide variant.
Coding change: c.8699C>T on transcript NM_001365276.2 (MANE Select); coding-DNA position 8699, C replaced by T.
Protein change: p.Ser2900Leu; replaces serine 2900 with leucine.
Molecular consequence: missense variant.
Genome position (GRCh38, 1-based): chr6:32,053,480, G>A on the plus strand (C>T on the coding strand, the complement: TNXB is on the minus strand). VCF-style: chr6-32053480-G-A. GRCh37 (hg19) VCF-style: chr6-32021257-G-A.
Other names: p.Ser2898Leu; c.9440C>T, p.Ser3147Leu (NM_001428335.1); c.8693C>T, p.Ser2898Leu (NM_019105.8); short protein forms S2898L, S2900L, S3147L.
Identifiers: ClinVar variation 3971999 (VCV003971999.3).
Genomic context (GRCh38, chr6:32,053,480, plus strand): 5'-CGCTGGCCACCGTGGAAGCCGTACAGGTTCATCTTGTACTTGTGGTCTGGCTCCAGGCCT[G>A]AGATGGTGACCCCGTCCTCGTGCCCCGGCACCCGCACCACCTTGGGCTGCCCATCCCCAT-3'
Protein context (NP_001352205.1, residues 2890-2910): VPGHEDGVTI[Ser2900Leu]GLEPDHKYKM